The following is an entry in ClinVar:

ClinVar aggregate classification (germline): Likely pathogenic (1 of 4 stars; one submission).

Conditions:
Generalized pustular psoriasis. Identifiers: Orphanet 247353, MedGen C0343055, MONDO:0100491.

Submission:

Labcorp Genetics (formerly Invitae), Labcorp
Classification: Likely pathogenic for Generalized pustular psoriasis. Last evaluated: 2023-07-18. Review status: criteria provided, single submitter. Criteria: Invitae Variant Classification Sherloc (09022015). Collection method: clinical testing. Allele origin: germline.
Comment: In summary, the currently available evidence indicates that the variant is pathogenic, but additional data are needed to prove that conclusively. Therefore, this variant has been classified as Likely Pathogenic. Algorithms developed to predict the effect of sequence changes on RNA splicing suggest that this variant may disrupt the consensus splice site. This variant has not been reported in the literature in individuals affected with IL36RN-related conditions. This variant is not present in population databases (gnomAD no frequency). This sequence change affects an acceptor splice site in intron 2 of the IL36RN gene. It is expected to disrupt RNA splicing. Variants that disrupt the donor or acceptor splice site typically lead to a loss of protein function (PMID: 16199547), and loss-of-function variants in IL36RN are known to be pathogenic (PMID: 23698098).

Literature cited by the submitters: PubMed 16199547; PubMed 23698098.

NM_012275.3(IL36RN):c.30-1G>T

Gene: IL36RN (interleukin 36 receptor antagonist; plus strand). Cytogenetic location: 2q14.1.
Variant type: single nucleotide variant.
Coding change: c.30-1G>T on transcript NM_012275.3 (MANE Select); the canonical splice acceptor site of the intron before coding-DNA position 30, G replaced by T.
Molecular consequence: splice acceptor variant.
Genome position (GRCh38, 1-based): chr2:113,060,851, G>T. VCF-style: chr2-113060851-G-T. GRCh37 (hg19) VCF-style: chr2-113818428-G-T.
Other names: c.30-1G>T (NM_173170.1).
Identifiers: ClinVar variation 2712028 (VCV002712028.3), dbSNP rs1685627126, ClinGen allele CA348289135.